The following is an entry in ClinVar:

ClinVar aggregate classification (germline): Uncertain significance (1 of 4 stars; one submission).

Submission:

Labcorp Genetics (formerly Invitae), Labcorp
Classification: Uncertain significance. Last evaluated: 2024-11-02. Review status: criteria provided, single submitter. Criteria: Invitae Variant Classification Sherloc (09022015). Collection method: clinical testing. Allele origin: germline.
Comment: This sequence change replaces valine, which is neutral and non-polar, with leucine, which is neutral and non-polar, at codon 1158 of the APC2 protein (p.Val1158Leu). This variant is not present in population databases (gnomAD no frequency). This variant has not been reported in the literature in individuals affected with APC2-related conditions. Invitae Evidence Modeling of protein sequence and biophysical properties (such as structural, functional, and spatial information, amino acid conservation, physicochemical variation, residue mobility, and thermodynamic stability) indicates that this missense variant is expected to disrupt APC2 protein function with a positive predictive value of 80%. In summary, the available evidence is currently insufficient to determine the role of this variant in disease. Therefore, it has been classified as a Variant of Uncertain Significance.

NM_005883.3(APC2):c.3472G>C (p.Val1158Leu)

Gene: APC2 (APC regulator of Wnt signaling pathway 2; plus strand). Cytogenetic location: 19p13.3.
Variant type: single nucleotide variant.
Coding change: c.3472G>C on transcript NM_005883.3 (MANE Select); coding-DNA position 3472, G replaced by C.
Protein change: p.Val1158Leu; replaces valine 1158 with leucine.
Molecular consequence: missense variant.
Genome position (GRCh38, 1-based): chr19:1,466,773, G>C. VCF-style: chr19-1466773-G-C. GRCh37 (hg19) VCF-style: chr19-1466772-G-C.
Other names: c.3469G>C, p.Val1157Leu (NM_001351273.1); short protein forms V1158L, V1157L.
Identifiers: ClinVar variation 3707242 (VCV003707242.2).
Genomic context (GRCh38, chr19:1,466,773, plus strand): 5'-GGGGTGGAAGACGCCACGCCGTCCAGCTCGTCGGAGAACTACGTGCAGGAGACACCGCTT[G>C]TGCTGAGCCGCTGCAGCTCTGTGAGCTCGCTGGGCAGCTTCGAGAGCCCGTCCATCGCCA-3'
Protein context (NP_005874.1, residues 1148-1168): SENYVQETPL[Val1158Leu]LSRCSSVSSL